The following is an entry in ClinVar:

NM_173491.4(LSM11):c.18G>C (p.Arg6=)

Genes: LSM11 (LSM11, U7 small nuclear RNA associated; plus strand), LOC129995145 (ATAC-STARR-seq lymphoblastoid silent region 16563; plus strand). Cytogenetic location: 5q33.3.
Variant type: single nucleotide variant.
Coding change: c.18G>C on transcript NM_173491.4 (MANE Select); coding-DNA position 18, G replaced by C.
Protein change: p.Arg6=; no amino-acid change (arginine 6 retained).
Molecular consequence: synonymous variant.
Genome position (GRCh38, 1-based): chr5:157,743,768, G>C. VCF-style: chr5-157743768-G-C. GRCh37 (hg19) VCF-style: chr5-157170776-G-C.
Identifiers: ClinVar variation 2656003 (VCV002656003.24), dbSNP rs769814058, ClinGen allele CA3536619.

ClinVar aggregate classification (germline): Likely benign (1 of 4 stars; one submission).

Allele frequency attached by ClinVar (database versions not stated): gnomAD 0.00012; ExAC 0.00093.

Submission:

CeGaT Center for Human Genetics Tuebingen
Classification: Likely benign. Last evaluated: 2022-09-01. Review status: criteria provided, single submitter. Criteria: CeGaT Center For Human Genetics Tuebingen Variant Classification Criteria Version 2. Collection method: clinical testing. Allele origin: germline. Affected: yes. Observed: 1 variant allele.
Comment: LSM11: BP4, BP7